The following is an entry in ClinVar:

ClinVar aggregate classification (germline): Uncertain significance (1 of 4 stars; one submission).

Submission:

Labcorp Genetics (formerly Invitae), Labcorp
Classification: Uncertain significance. Last evaluated: 2022-02-03. Review status: criteria provided, single submitter. Criteria: Invitae Variant Classification Sherloc (09022015). Collection method: clinical testing. Allele origin: germline.
Comment: In summary, the available evidence is currently insufficient to determine the role of this variant in disease. Therefore, it has been classified as a Variant of Uncertain Significance. Algorithms developed to predict the effect of missense changes on protein structure and function are either unavailable or do not agree on the potential impact of this missense change (SIFT: "Deleterious"; PolyPhen-2: "Possibly Damaging"; Align-GVGD: "Class C0"). This variant has not been reported in the literature in individuals affected with MERTK-related conditions. This variant is not present in population databases (gnomAD no frequency). This sequence change replaces alanine, which is neutral and non-polar, with threonine, which is neutral and polar, at codon 559 of the MERTK protein (p.Ala559Thr).

NM_006343.3(MERTK):c.1675G>A (p.Ala559Thr)

Gene: MERTK (MER proto-oncogene, tyrosine kinase; plus strand). Cytogenetic location: 2q13.
Variant type: single nucleotide variant.
Coding change: c.1675G>A on transcript NM_006343.3 (MANE Select); coding-DNA position 1675, G replaced by A.
Protein change: p.Ala559Thr; replaces alanine 559 with threonine.
Molecular consequence: missense variant.
Genome position (GRCh38, 1-based): chr2:112,001,271, G>A. VCF-style: chr2-112001271-G-A. GRCh37 (hg19) VCF-style: chr2-112758848-G-A.
Other names: short protein forms A559T.
Identifiers: ClinVar variation 2092564 (VCV002092564.4), dbSNP rs2466876062, ClinGen allele CA348232300.